The following is an entry in ClinVar:

NM_001458.5(FLNC):c.5399-91G>A

Genes: FLNC (filamin C; plus strand), FLNC-AS1 (FLNC antisense RNA 1; minus strand). Cytogenetic location: 7q32.1.
Variant type: single nucleotide variant.
Coding change: c.5399-91G>A on transcript NM_001458.5 (MANE Select); 91 bases into the intron before coding-DNA position 5399, G replaced by A.
Molecular consequence: intron variant.
Genome position (GRCh38, 1-based): chr7:128,850,712, G>A. VCF-style: chr7-128850712-G-A. GRCh37 (hg19) VCF-style: chr7-128490766-G-A.
Other names: NC_000007.13:g.128490766G>A; c.5300-91G>A (NM_001127487.2).
Identifiers: ClinVar variation 678400 (VCV000678400.3), dbSNP rs111806684, ClinGen allele CA166187862.

ClinVar aggregate classification (germline): Benign. Review status: criteria provided, multiple submitters, no conflicts (2 of 4 stars). 2 submissions from 2 submitters: Benign (2). Last evaluated 2018-06-14.

Allele frequency attached by ClinVar (database versions not stated): gnomAD exomes 0.00161; gnomAD 0.01608 and 0.01716; TOPMed 0.01891; 1000 Genomes Project 0.02137; 1000 Genomes Project 30x 0.02280.
gnomAD v4.1: 4,842 of 1,573,504 alleles (0.31%); highest among the groups gnomAD compares: African/African-American, 5.8%; 153 homozygotes.

Submissions (5):

GeneDx
Classification: Benign. Last evaluated: 2018-06-14. Review status: criteria provided, single submitter. Criteria: GeneDx Variant Classification (06012015). Collection method: clinical testing. Allele origin: germline. Affected: yes.
Comment: This variant is considered likely benign or benign based on one or more of the following criteria: it is a conservative change, it occurs at a poorly conserved position in the protein, it is predicted to be benign by multiple in silico algorithms, and/or has population frequency not consistent with disease.

Breakthrough Genomics
Classification: Benign. Review status: criteria provided, single submitter. Criteria: ACMG Guidelines, 2015. Collection method: not provided. Allele origin: germline. Inheritance: Autosomal dominant inheritance. Affected: yes.

Dr. Peter K. Rogan Lab, Western University
No classification provided (evidence only). Condition: Uterine corpus endometrial carcinoma. Review status: no classification provided. Collection method: in vitro. Allele origin: not applicable. Functional consequence: retained intron. Not counted in ClinVar's aggregate classification.

Dr. Peter K. Rogan Lab, Western University
No classification provided (evidence only). Condition: Uterine corpus endometrial carcinoma. Review status: no classification provided. Collection method: in vitro. Allele origin: not applicable. Functional consequence: retained intron. Not counted in ClinVar's aggregate classification.

Dr. Peter K. Rogan Lab, Western University
No classification provided (evidence only). Condition: Cervical cancer. Review status: no classification provided. Collection method: in vitro. Allele origin: not applicable. Functional consequence: retained intron. Not counted in ClinVar's aggregate classification.